The following is an entry in ClinVar:

ClinVar aggregate classification (germline): Uncertain significance. Review status: criteria provided, multiple submitters, no conflicts (2 of 4 stars). 2 submissions from 2 submitters: Uncertain significance (2). Last evaluated 2021-12-03.

Conditions:
Familial sleep-related hypermotor epilepsy. Also called: Autosomal Dominant Sleep-Related Hypermotor (Hyperkinetic) Epilepsy. Identifiers: Orphanet 98784, MedGen C3696898, MONDO:0000030.

Submissions (2):

Labcorp Genetics (formerly Invitae), Labcorp
Classification: Uncertain significance. Last evaluated: 2021-12-03. Review status: criteria provided, single submitter. Criteria: Invitae Variant Classification Sherloc (09022015). Collection method: clinical testing. Allele origin: germline.
Comment: In summary, the available evidence is currently insufficient to determine the role of this variant in disease. Therefore, it has been classified as a Variant of Uncertain Significance. Algorithms developed to predict the effect of missense changes on protein structure and function are either unavailable or do not agree on the potential impact of this missense change (SIFT: "Deleterious"; PolyPhen-2: "Probably Damaging"; Align-GVGD: "Class C15"). ClinVar contains an entry for this variant (Variation ID: 598611). This variant has not been reported in the literature in individuals affected with CHRNB2-related conditions. This variant is not present in population databases (gnomAD no frequency). This sequence change replaces leucine, which is neutral and non-polar, with phenylalanine, which is neutral and non-polar, at codon 282 of the CHRNB2 protein (p.Leu282Phe).

Eurofins Ntd Llc (ga)
Classification: Uncertain significance. Last evaluated: 2018-09-06. Review status: criteria provided, single submitter. Criteria: EGL ClinVar v180209 classification definitions. Collection method: clinical testing. Allele origin: germline. Observed: 1 variant allele, 1 heterozygote.

NM_000748.3(CHRNB2):c.844C>T (p.Leu282Phe)

Gene: CHRNB2 (cholinergic receptor nicotinic beta 2 subunit; plus strand). Cytogenetic location: 1q21.3.
Variant type: single nucleotide variant.
Coding change: c.844C>T on transcript NM_000748.3 (MANE Select); coding-DNA position 844, C replaced by T.
Protein change: p.Leu282Phe; replaces leucine 282 with phenylalanine.
Molecular consequence: missense variant.
Genome position (GRCh38, 1-based): chr1:154,571,667, C>T. VCF-style: chr1-154571667-C-T. GRCh37 (hg19) VCF-style: chr1-154544143-C-T.
Other names: short protein forms L282F.
Identifiers: ClinVar variation 598611 (VCV000598611.12), dbSNP rs1387572771, ClinGen allele CA342630954.